The following is an entry in ClinVar:

NM_017636.4(TRPM4):c.2513del (p.Gly838fs)

Gene: TRPM4 (transient receptor potential cation channel subfamily M member 4; plus strand). Cytogenetic location: 19q13.33.
Variant type: Deletion.
Coding change: c.2513del on transcript NM_017636.4 (MANE Select); coding-DNA position 2513, one base deleted (G; older notation c.2513delG).
Protein change: p.Gly838fs; shifts the reading frame from glycine 838.
Molecular consequence: frameshift variant. On other transcripts: intron variant (1).
Genome position (GRCh38, 1-based): chr19:49,196,742, G deleted; the last of 5 consecutive G bases (chr19:49,196,738-49,196,742); deleting any one gives the same sequence. VCF-style (leftmost placement, unchanged base first): chr19-49196737-CG-C. GRCh37 (hg19) VCF-style: chr19-49699994-CG-C.
Other names: c.2168del, p.Gly723fs (NM_001321281.2); c.905del, p.Gly302fs (NM_001321282.2); c.1991del, p.Gly664fs (NM_001321283.2); c.1451del, p.Gly484fs (NM_001321285.2); c.2211-3558del (NM_001195227.2); short protein forms G302fs, G484fs, G664fs, G723fs, G838fs.
Identifiers: ClinVar variation 1677625 (VCV001677625.6), dbSNP rs747536688, ClinGen allele CA9569560.

ClinVar aggregate classification (germline): Uncertain significance. Review status: criteria provided, multiple submitters, no conflicts (2 of 4 stars). 4 submissions from 4 submitters: Uncertain significance (4). Last evaluated 2024-05-14.

Conditions:
Cardiovascular phenotype. Identifiers: MedGen CN230736.
Progressive familial heart block type IB (PFHB1B). Identifiers: Orphanet 871, MedGen C1970298, MONDO:0011474, OMIM 604559.

Submissions (4):

Labcorp Genetics (formerly Invitae), Labcorp
Classification: Uncertain significance for Progressive familial heart block type IB. Last evaluated: 2024-05-14. Review status: criteria provided, single submitter. Criteria: Invitae Variant Classification Sherloc (09022015). Collection method: clinical testing. Allele origin: germline.
Comment: This sequence change creates a premature translational stop signal (p.Gly838Alafs*15) in the TRPM4 gene. It is expected to result in an absent or disrupted protein product. However, the current clinical and genetic evidence is not sufficient to establish whether loss-of-function variants in TRPM4 cause disease. The frequency data for this variant in the population databases is considered unreliable, as metrics indicate poor data quality at this position in the gnomAD database. This variant has not been reported in the literature in individuals affected with TRPM4-related conditions. ClinVar contains an entry for this variant (Variation ID: 1677625). In summary, the available evidence is currently insufficient to determine the role of this variant in disease. Therefore, it has been classified as a Variant of Uncertain Significance.

Ambry Genetics
Classification: Uncertain significance for Cardiovascular phenotype. Last evaluated: 2023-12-15. Review status: criteria provided, single submitter. Criteria: Ambry Variant Classification Scheme 2023. Collection method: clinical testing. Allele origin: germline.
Comment: The c.2513delG variant, located in coding exon 17 of the TRPM4 gene, results from a deletion of one nucleotide at nucleotide position 2513, causing a translational frameshift with a predicted alternate stop codon (p.G838Afs*15). This alteration is expected to result in premature protein truncation or nonsense-mediated mRNA decay. However, loss of function of TRPM4 has not been clearly established as a mechanism of disease. Since supporting evidence is limited at this time, the clinical significance of this alteration remains unclear.

AiLife Diagnostics
Classification: Uncertain significance. Last evaluated: 2021-11-15. Review status: criteria provided, single submitter. Criteria: ACMG Guidelines, 2015. Collection method: clinical testing. Allele origin: germline. Affected: yes. Observed: 1 variant allele.

Breakthrough Genomics
Classification: Uncertain significance. Review status: criteria provided, single submitter. Criteria: ACMG Guidelines, 2015. Collection method: not provided. Allele origin: germline. Inheritance: Autosomal dominant inheritance. Affected: yes.